The following is an entry in ClinVar:

NM_005157.6(ABL1):c.3262A>C (p.Asn1088His)

Gene: ABL1 (ABL proto-oncogene 1, non-receptor tyrosine kinase; plus strand). Cytogenetic location: 9q34.12.
Variant type: single nucleotide variant.
Coding change: c.3262A>C on transcript NM_005157.6 (MANE Select); coding-DNA position 3262, A replaced by C.
Protein change: p.Asn1088His; replaces asparagine 1088 with histidine.
Molecular consequence: missense variant.
Genome position (GRCh38, 1-based): chr9:130,885,552, A>C. VCF-style: chr9-130885552-A-C. GRCh37 (hg19) VCF-style: chr9-133760939-A-C.
Other names: c.3319A>C, p.Asn1107His (NM_007313.3); short protein forms N1088H, N1107H.
Identifiers: ClinVar variation 3993645 (VCV003993645.2).

ClinVar aggregate classification (germline): Uncertain significance. Review status: criteria provided, multiple submitters, no conflicts (2 of 4 stars). 2 submissions from 2 submitters: Uncertain significance (2). Last evaluated 2025-09-09.

Conditions:
Inborn genetic diseases. Identifiers: MedGen C0950123, MeSH D030342.

Submissions (2):

Labcorp Genetics (formerly Invitae), Labcorp
Classification: Uncertain significance. Last evaluated: 2025-09-09. Review status: criteria provided, single submitter. Criteria: Invitae Variant Classification Sherloc (09022015). Collection method: clinical testing. Allele origin: germline.
Comment: This sequence change replaces asparagine, which is neutral and polar, with histidine, which is basic and polar, at codon 1107 of the ABL1 protein (p.Asn1107His). This variant is not present in population databases (gnomAD no frequency). This variant has not been reported in the literature in individuals affected with ABL1-related conditions. ClinVar contains an entry for this variant (Variation ID: 3993645). Invitae Evidence Modeling of protein sequence and biophysical properties (such as structural, functional, and spatial information, amino acid conservation, physicochemical variation, residue mobility, and thermodynamic stability) indicates that this missense variant is not expected to disrupt ABL1 protein function with a negative predictive value of 95%. In summary, the available evidence is currently insufficient to determine the role of this variant in disease. Therefore, it has been classified as a Variant of Uncertain Significance.

Ambry Genetics
Classification: Uncertain significance for Inborn genetic diseases. Last evaluated: 2025-06-09. Review status: criteria provided, single submitter. Criteria: Ambry Variant Classification Scheme 2023. Collection method: clinical testing. Allele origin: germline.